The following is an entry in ClinVar:

ClinVar aggregate classification (germline): Pathogenic/Likely pathogenic. Review status: criteria provided, multiple submitters, no conflicts (2 of 4 stars). 2 submissions from 2 submitters: Pathogenic (1); Likely pathogenic (1). Last evaluated 2018-12-04.

Conditions:
Hereditary cancer-predisposing syndrome. Also called: Tumor predisposition; Hereditary Cancer Syndrome; Neoplastic Syndromes, Hereditary; Hereditary neoplastic syndrome. Identifiers: Orphanet 140162, MedGen C0027672, MeSH D009386, MONDO:0015356.

Submissions (2):

Ambry Genetics
Classification: Pathogenic for Hereditary cancer-predisposing syndrome. Last evaluated: 2018-12-04. Review status: criteria provided, single submitter. Criteria: Ambry Variant Classification Scheme 2023. Collection method: clinical testing. Allele origin: germline.
Comment: The c.3337dupT pathogenic mutation, located in coding exon 9 of the BRCA1 gene, results from a duplication of T at nucleotide position 3337, causing a translational frameshift with a predicted alternate stop codon (p.Y1113Lfs*2). This alteration is expected to result in loss of function by premature protein truncation or nonsense-mediated mRNA decay. As such, this alteration is interpreted as a disease-causing mutation.

Quest Diagnostics Nichols Institute San Juan Capistrano
Classification: Likely pathogenic. Last evaluated: 2017-11-24. Review status: criteria provided, single submitter. Criteria: Quest Diagnostics criteria. Collection method: clinical testing. Allele origin: germline.

NM_007294.4(BRCA1):c.3337dup (p.Tyr1113fs)

Genes: BRCA1 (BRCA1 DNA repair associated; minus strand), LOC126862571 (BRD4-independent group 4 enhancer GRCh37_chr17:41243136-41244335; plus strand). Cytogenetic location: 17q21.31.
Variant type: Duplication.
Coding change: c.3337dup on transcript NM_007294.4 (MANE Select); coding-DNA position 3337, one base duplicated (T; older notation c.3337dupT).
Protein change: p.Tyr1113fs; shifts the reading frame from tyrosine 1113.
Molecular consequence: frameshift variant. On other transcripts: intron variant (137).
Genome position (GRCh38, 1-based): chr17:43,092,194, A duplicated on the plus strand (T on the coding strand, the reverse complement: BRCA1 is on the minus strand). VCF-style (leftmost placement, unchanged base first): chr17-43092193-T-TA. GRCh37 (hg19) VCF-style: chr17-41244210-T-TA.
Other names: c.3214dup, p.Tyr1072fs (NM_001407863.1, NM_001407648.1, NM_001407664.1 and 19 more transcripts); c.3133dup, p.Tyr1045fs (NM_001407874.1, NM_001407875.1); c.3127dup, p.Tyr1043fs (NM_001407879.1, NM_001407881.1, NM_001407900.1 and 13 more transcripts); c.3124dup, p.Tyr1042fs (NM_001407899.1, NM_001407894.1, NM_001407895.1 and 9 more transcripts); c.3337dup, p.Tyr1113fs (NM_001407581.1, NM_001407582.1, NM_001407583.1 and 30 more transcripts); c.3334dup, p.Tyr1112fs (NM_001407587.1, NM_001407590.1, NM_001407591.1 and 22 more transcripts); c.3328dup, p.Tyr1110fs (NM_001407646.1, NM_001407647.1); c.3211dup, p.Tyr1071fs (NM_001407649.1, NM_001407670.1, NM_001407671.1 and 11 more transcripts); and 42 more; short protein forms Y1066fs, Y1113fs, Y1001fs, Y1025fs, Y1042fs, Y1043fs, Y1045fs, Y1065fs.
Identifiers: ClinVar variation 619790 (VCV000619790.5), dbSNP rs1567792067, ClinGen allele CA913190413.